The following is an entry in ClinVar:

ClinVar aggregate classification (germline): Uncertain significance. Review status: criteria provided, multiple submitters, no conflicts (2 of 4 stars). 2 submissions from 2 submitters: Uncertain significance (2). Last evaluated 2025-06-12.

Allele frequency attached by ClinVar (database versions not stated): gnomAD 0.00004; TOPMed 0.00005; 1000 Genomes Project 30x 0.00016; 1000 Genomes Project 0.00020.
gnomAD v4.1: 67 of 1,613,280 alleles (0.0042%); highest among the groups gnomAD compares: South Asian, 0.046%; no homozygotes.

Submissions (2):

Labcorp Genetics (formerly Invitae), Labcorp
Classification: Uncertain significance. Last evaluated: 2025-06-12. Review status: criteria provided, single submitter. Criteria: Invitae Variant Classification Sherloc (09022015). Collection method: clinical testing. Allele origin: germline.
Comment: This sequence change replaces arginine, which is basic and polar, with tryptophan, which is neutral and slightly polar, at codon 72 of the CEP97 protein (p.Arg72Trp). This variant is present in population databases (rs547567941, gnomAD 0.06%). This variant has not been reported in the literature in individuals affected with CEP97-related conditions. ClinVar contains an entry for this variant (Variation ID: 2191528). Invitae Evidence Modeling of protein sequence and biophysical properties (such as structural, functional, and spatial information, amino acid conservation, physicochemical variation, residue mobility, and thermodynamic stability) indicates that this missense variant is expected to disrupt CEP97 protein function with a positive predictive value of 80%. In summary, the available evidence is currently insufficient to determine the role of this variant in disease. Therefore, it has been classified as a Variant of Uncertain Significance.

Ambry Genetics
Classification: Uncertain significance. Last evaluated: 2021-08-16. Review status: criteria provided, single submitter. Criteria: Ambry Variant Classification Scheme 2023. Collection method: clinical testing. Allele origin: germline.

NM_024548.4(CEP97):c.214C>T (p.Arg72Trp)

Gene: CEP97 (centrosomal protein 97; plus strand). Cytogenetic location: 3q12.3.
Variant type: single nucleotide variant.
Coding change: c.214C>T on transcript NM_024548.4 (MANE Select); coding-DNA position 214, C replaced by T.
Protein change: p.Arg72Trp; replaces arginine 72 with tryptophan.
Molecular consequence: missense variant.
Genome position (GRCh38, 1-based): chr3:101,727,410, C>T. VCF-style: chr3-101727410-C-T. GRCh37 (hg19) VCF-style: chr3-101446254-C-T.
Other names: c.214C>T, p.Arg72Trp (NM_001303401.2, NM_001410784.1, NM_001410785.1); c.214C>T (NM_024548.2); short protein forms R72W.
Identifiers: ClinVar variation 2191528 (VCV002191528.5), dbSNP rs547567941, ClinGen allele CA2521845.